The following is an entry in ClinVar:

NM_000431.4(MVK):c.1046A>C (p.Glu349Ala)

Gene: MVK (mevalonate kinase; plus strand). Cytogenetic location: 12q24.11.
Variant type: single nucleotide variant.
Coding change: c.1046A>C on transcript NM_000431.4 (MANE Select); coding-DNA position 1046, A replaced by C.
Protein change: p.Glu349Ala; replaces glutamic acid 349 with alanine.
Molecular consequence: missense variant.
Genome position (GRCh38, 1-based): chr12:109,596,432, A>C. VCF-style: chr12-109596432-A-C. GRCh37 (hg19) VCF-style: chr12-110034237-A-C.
Other names: c.1046A>C, p.Glu349Ala (NM_001114185.3, NM_001414511.1); c.890A>C, p.Glu297Ala (NM_001301182.2); c.1121A>C, p.Glu374Ala (NM_001414512.1); c.1057A>C, p.Ser353Arg (NM_001414513.1); c.901A>C, p.Ser301Arg (NM_001414514.1); c.464A>C, p.Glu155Ala (NM_001414515.1); short protein forms E349A, S353R, S301R, E155A, E374A, E297A.
Identifiers: ClinVar variation 1978857 (VCV001978857.2), dbSNP rs749603717, ClinGen allele CA6779449.
Genomic context (GRCh38, chr12:109,596,432, plus strand): 5'-CTTCTCCCACGGAGCGGAGAGTTGTCAAGGGTGACCTGCCTTCCCTCCCCGCAGGGCTGG[A>C]GCAGCCAGAAGTGGAGGCCACGAAGCAGGCCCTGACCAGCTGTGGCTTTGACTGCTTGGA-3'
Protein context (NP_000422.1, residues 339-359): CGITLLKPGL[Glu349Ala]QPEVEATKQA

ClinVar aggregate classification (germline): Uncertain significance. Review status: criteria provided, multiple submitters, no conflicts (2 of 4 stars). 2 submissions from 2 submitters: Uncertain significance (2). Last evaluated 2022-09-25.

Conditions:
Porokeratosis 3, disseminated superficial actinic type (POROK3). Also called: POROKERATOSIS 3, MULTIPLE TYPES; POROKERATOSIS 3, MIBELLI TYPE; POROKERATOSIS, DISSEMINATED SUPERFICIAL ACTINIC, 1. Identifiers: MedGen C1867981, MONDO:0008293, OMIM 175900.
Mevalonic aciduria (MEVA). Identifiers: Orphanet 29, MedGen C1959626, MONDO:0012481, OMIM 610377.
Hyperimmunoglobulin D with periodic fever (HIDS). Also called: HYPERIMMUNOGLOBULINEMIA D AND PERIODIC FEVER SYNDROME; Hyperimmunoglobulinemia D; Hyperimmunoglobulinemia D with periodic fever. Identifiers: Orphanet 343, MedGen C0398691, MONDO:0009849, OMIM 260920.

Allele frequency attached by ClinVar (database versions not stated): ExAC 0.00002.
gnomAD v4.1: 2 of 1,613,378 alleles (0.00012%); highest among the groups gnomAD compares: East Asian, 0.0045%; no homozygotes.

Submissions (2):

Labcorp Genetics (formerly Invitae), Labcorp
Classification: Uncertain significance for Mevalonic aciduria; Hyperimmunoglobulin D with periodic fever; Porokeratosis 3, disseminated superficial actinic type. Last evaluated: 2022-09-25. Review status: criteria provided, single submitter. Criteria: Invitae Variant Classification Sherloc (09022015). Collection method: clinical testing. Allele origin: germline.
Comment: This sequence change replaces glutamic acid, which is acidic and polar, with alanine, which is neutral and non-polar, at codon 349 of the MVK protein (p.Glu349Ala). This variant is present in population databases (rs749603717, gnomAD 0.01%). This variant has not been reported in the literature in individuals affected with MVK-related conditions. Advanced modeling of protein sequence and biophysical properties (such as structural, functional, and spatial information, amino acid conservation, physicochemical variation, residue mobility, and thermodynamic stability) performed at Invitae indicates that this missense variant is not expected to disrupt MVK protein function. In summary, the available evidence is currently insufficient to determine the role of this variant in disease. Therefore, it has been classified as a Variant of Uncertain Significance.

Blueprint Genetics
Classification: Uncertain significance. Last evaluated: 2019-07-08. Review status: criteria provided, single submitter. Criteria: ACMG Guidelines, 2015. Collection method: clinical testing. Allele origin: germline.